The following is an entry in ClinVar:

ClinVar aggregate classification (germline): Likely pathogenic (1 of 4 stars; one submission).

Conditions:
3M syndrome 3. Also called: THREE M SYNDROME 3; 3-M Syndrome, CCDC8-Related. Identifiers: Orphanet 2616, MedGen C3280146, MONDO:0013627, OMIM 614205.

Submission:

Centre for Mendelian Genomics, University Medical Centre Ljubljana
Classification: Likely pathogenic for 3M syndrome 3. Last evaluated: 2019-01-28. Review status: criteria provided, single submitter. Criteria: ACMG Guidelines, 2015. Collection method: clinical testing. Allele origin: unknown. Affected: yes.
Comment: This variant was classified as: Likely pathogenic. The following ACMG criteria were applied in classifying this variant: PVS1,PM2.

NM_032040.5(CCDC8):c.203_204del (p.Gln68fs)

Gene: CCDC8 (coiled-coil domain containing 8 subunit of 3M complex; minus strand). Cytogenetic location: 19q13.32.
Variant type: Deletion.
Coding change: c.203_204del on transcript NM_032040.5 (MANE Select); coding-DNA positions 203 to 204, 2 bases deleted (AG; older notation c.203_204delAG).
Protein change: p.Gln68fs; shifts the reading frame from glutamine 68.
Molecular consequence: frameshift variant.
Genome position (GRCh38, 1-based): chr19:46,412,607-46,412,608, CT deleted on the plus strand (AG on the coding strand, the reverse complement: CCDC8 is on the minus strand). VCF-style (leftmost placement, unchanged base first): chr19-46412606-GCT-G. GRCh37 (hg19) VCF-style: chr19-46915863-GCT-G.
Other names: short protein forms Q68fs.
Identifiers: ClinVar variation 931927 (VCV000931927.3), dbSNP rs1973248576, ClinGen allele CA633483692.